The following is an entry in ClinVar:

ClinVar aggregate classification (germline): Uncertain significance (1 of 4 stars; one submission).

Conditions:
Werner syndrome (WRN). Identifiers: Orphanet 902, MedGen C0043119, MONDO:0010196, OMIM 277700.

Allele frequency attached by ClinVar (database versions not stated): ExAC 0.00002; gnomAD exomes 0.00002 and 0.00003; gnomAD 0.00004; TOPMed 0.00005.
gnomAD v4.1: 44 of 1,612,466 alleles (0.0027%); highest among the groups gnomAD compares: African/African-American, 0.0053%; no homozygotes.

Submission:

Labcorp Genetics (formerly Invitae), Labcorp
Classification: Uncertain significance for Werner syndrome. Last evaluated: 2025-01-13. Review status: criteria provided, single submitter. Criteria: Invitae Variant Classification Sherloc (09022015). Collection method: clinical testing. Allele origin: germline.
Comment: This sequence change replaces serine, which is neutral and polar, with leucine, which is neutral and non-polar, at codon 66 of the WRN protein (p.Ser66Leu). This variant is present in population databases (rs756575284, gnomAD 0.01%). This variant has not been reported in the literature in individuals affected with WRN-related conditions. ClinVar contains an entry for this variant (Variation ID: 458395). An algorithm developed to predict the effect of missense changes on protein structure and function (PolyPhen-2) suggests that this variant is likely to be disruptive. In summary, the available evidence is currently insufficient to determine the role of this variant in disease. Therefore, it has been classified as a Variant of Uncertain Significance.

NM_000553.6(WRN):c.197C>T (p.Ser66Leu)

Gene: WRN (WRN RecQ like helicase; plus strand). Cytogenetic location: 8p12.
Variant type: single nucleotide variant.
Coding change: c.197C>T on transcript NM_000553.6 (MANE Select); coding-DNA position 197, C replaced by T.
Protein change: p.Ser66Leu; replaces serine 66 with leucine.
Molecular consequence: missense variant.
Genome position (GRCh38, 1-based): chr8:31,059,253, C>T. VCF-style: chr8-31059253-C-T. GRCh37 (hg19) VCF-style: chr8-30916769-C-T.
Other names: short protein forms S66L.
Identifiers: ClinVar variation 458395 (VCV000458395.10), dbSNP rs756575284, ClinGen allele CA4704000.